The following is an entry in ClinVar:

NM_004656.4(BAP1):c.1409G>C (p.Gly470Ala)

Gene: BAP1 (BRCA1 associated deubiquitinase 1; minus strand). Cytogenetic location: 3p21.1.
Variant type: single nucleotide variant.
Coding change: c.1409G>C on transcript NM_004656.4 (MANE Select); coding-DNA position 1409, G replaced by C.
Protein change: p.Gly470Ala; replaces glycine 470 with alanine.
Molecular consequence: missense variant.
Genome position (GRCh38, 1-based): chr3:52,403,736, C>G on the plus strand (G>C on the coding strand, the complement: BAP1 is on the minus strand). VCF-style: chr3-52403736-C-G. GRCh37 (hg19) VCF-style: chr3-52437752-C-G.
Other names: c.1409G>C (LRG_529t1); short protein forms G470A.
Identifiers: ClinVar variation 489615 (VCV000489615.17), dbSNP rs1553644942, ClinGen allele CA353101517.
Genomic context (GRCh38, chr3:52,403,736, plus strand): 5'-TTGCTGGGGGTGGGTGAGGGCTGCGAGTGTGTGGGCACTGCCACAGCCGGACTCCCAGCC[C>G]CGCTGCTAGTCTTGATGGACAGAGGAATTGAGAGGTCCTTCTGGGACTCTTTGAGCTTCT-3'
Protein context (NP_004647.1, residues 460-480): SIPLSIKTSS[Gly470Ala]AGSPAVAVPT

ClinVar aggregate classification (germline): Conflicting classifications of pathogenicity. Review status: criteria provided, conflicting classifications (1 of 4 stars). 3 submissions from 3 submitters: Uncertain significance (2); Likely benign (1). Last evaluated 2025-03-11.

Conditions:
BAP1-related tumor predisposition syndrome (TPDS1). Also called: Tumor susceptibility linked to germline BAP1 mutations; BAP1 tumor predisposition syndrome; COMMON Syndrome; TUMOR PREDISPOSITION SYNDROME 1. Identifiers: Orphanet 289539, MedGen C3280492, MONDO:0013692, OMIM 614327.
Hereditary cancer-predisposing syndrome. Also called: Hereditary Cancer Syndrome; Neoplastic Syndromes, Hereditary; Tumor predisposition; Hereditary neoplastic syndrome. Identifiers: Orphanet 140162, MedGen C0027672, MeSH D009386, MONDO:0015356.

Submissions (3):

Ambry Genetics
Classification: Likely benign for Hereditary cancer-predisposing syndrome. Last evaluated: 2025-03-11. Review status: criteria provided, single submitter. Criteria: Ambry Variant Classification Scheme 2023. Collection method: clinical testing. Allele origin: germline.

Labcorp Genetics (formerly Invitae), Labcorp
Classification: Uncertain significance for BAP1-related tumor predisposition syndrome. Last evaluated: 2024-08-13. Review status: criteria provided, single submitter. Criteria: Invitae Variant Classification Sherloc (09022015). Collection method: clinical testing. Allele origin: germline.
Comment: This sequence change replaces glycine, which is neutral and non-polar, with alanine, which is neutral and non-polar, at codon 470 of the BAP1 protein (p.Gly470Ala). This variant is not present in population databases (gnomAD no frequency). This variant has not been reported in the literature in individuals affected with BAP1-related conditions. ClinVar contains an entry for this variant (Variation ID: 489615). Advanced modeling of protein sequence and biophysical properties (such as structural, functional, and spatial information, amino acid conservation, physicochemical variation, residue mobility, and thermodynamic stability) performed at Invitae indicates that this missense variant is not expected to disrupt BAP1 protein function with a negative predictive value of 80%. In summary, the available evidence is currently insufficient to determine the role of this variant in disease. Therefore, it has been classified as a Variant of Uncertain Significance.

Color Diagnostics, LLC DBA Color Health
Classification: Uncertain significance for Hereditary cancer-predisposing syndrome. Last evaluated: 2023-12-05. Review status: criteria provided, single submitter. Criteria: ACMG Guidelines, 2015. Collection method: clinical testing. Allele origin: germline.
Comment: This missense variant replaces glycine with alanine at codon 470 of the BAP1 protein. Computational prediction suggests that this variant may not impact protein structure and function (internally defined REVEL score threshold <= 0.5, PMID: 27666373). To our knowledge, functional studies have not been reported for this variant. This variant has not been reported in individuals affected with BAP1-related disorders in the literature. This variant has not been identified in the general population by the Genome Aggregation Database (gnomAD). The available evidence is insufficient to determine the role of this variant in disease conclusively. Therefore, this variant is classified as a Variant of Uncertain Significance.

Literature cited by the submitters: PubMed 38969833 (cited by Ambry Genetics).